The following is an entry in ClinVar:

NM_006231.4(POLE):c.5118G>T (p.Met1706Ile)

Gene: POLE (DNA polymerase epsilon, catalytic subunit; minus strand). Cytogenetic location: 12q24.33.
Variant type: single nucleotide variant.
Coding change: c.5118G>T on transcript NM_006231.4 (MANE Select); coding-DNA position 5118, G replaced by T.
Protein change: p.Met1706Ile; replaces methionine 1706 with isoleucine.
Molecular consequence: missense variant.
Genome position (GRCh38, 1-based): chr12:132,642,232, C>A on the plus strand (G>T on the coding strand, the complement: POLE is on the minus strand). VCF-style: chr12-132642232-C-A. GRCh37 (hg19) VCF-style: chr12-133218818-C-A.
Other names: c.5118G>T (NM_006231.2); short protein forms M1706I.
Identifiers: ClinVar variation 645132 (VCV000645132.9), dbSNP rs1593729440, ClinGen allele CA387376844.

ClinVar aggregate classification (germline): Uncertain significance. Review status: criteria provided, multiple submitters, no conflicts (2 of 4 stars). 2 submissions from 2 submitters: Uncertain significance (2). Last evaluated 2023-09-22.

Conditions:
Hereditary cancer-predisposing syndrome. Also called: Hereditary Cancer Syndrome; Tumor predisposition; Hereditary neoplastic syndrome; Neoplastic Syndromes, Hereditary. Identifiers: Orphanet 140162, MedGen C0027672, MeSH D009386, MONDO:0015356.

Submissions (2):

Ambry Genetics
Classification: Uncertain significance for Hereditary cancer-predisposing syndrome. Last evaluated: 2023-09-22. Review status: criteria provided, single submitter. Criteria: Ambry Variant Classification Scheme 2023. Collection method: clinical testing. Allele origin: germline.
Comment: The p.M1706I variant (also known as c.5118G>T), located in coding exon 38 of the POLE gene, results from a G to T substitution at nucleotide position 5118. The methionine at codon 1706 is replaced by isoleucine, an amino acid with highly similar properties. This amino acid position is conserved. In addition, this alteration is predicted to be tolerated by in silico analysis. Since supporting evidence is limited at this time, the clinical significance of this alteration remains unclear.

Labcorp Genetics (formerly Invitae), Labcorp
Classification: Uncertain significance. Last evaluated: 2018-09-04. Review status: criteria provided, single submitter. Criteria: Invitae Variant Classification Sherloc (09022015). Collection method: clinical testing. Allele origin: germline.
Comment: This variant has not been reported in the literature in individuals with POLE-related disease. Algorithms developed to predict the effect of missense changes on protein structure and function (SIFT, PolyPhen-2, Align-GVGD) all suggest that this variant is likely to be tolerated, but these predictions have not been confirmed by published functional studies and their clinical significance is uncertain. In summary, the available evidence is currently insufficient to determine the role of this variant in disease. Therefore, it has been classified as a Variant of Uncertain Significance. This variant is not present in population databases (ExAC no frequency). This sequence change replaces methionine with isoleucine at codon 1706 of the POLE protein (p.Met1706Ile). The methionine residue is moderately conserved and there is a small physicochemical difference between methionine and isoleucine.